The following is an entry in ClinVar:

NM_000245.4(MET):c.1718C>T (p.Ala573Val)

Gene: MET (MET proto-oncogene, receptor tyrosine kinase; plus strand). Cytogenetic location: 7q31.2.
Variant type: single nucleotide variant.
Coding change: c.1718C>T on transcript NM_000245.4 (MANE Select); coding-DNA position 1718, C replaced by T.
Protein change: p.Ala573Val; replaces alanine 573 with valine.
Molecular consequence: missense variant.
Genome position (GRCh38, 1-based): chr7:116,755,371, C>T. VCF-style: chr7-116755371-C-T. GRCh37 (hg19) VCF-style: chr7-116395425-C-T.
Other names: c.1718C>T, p.Ala573Val (NM_001127500.3, NM_001324401.3); c.428C>T, p.Ala143Val (NM_001324402.2); short protein forms A573V, A143V.
Identifiers: ClinVar variation 524859 (VCV000524859.14), dbSNP rs1429917144, ClinGen allele CA368977640.

ClinVar aggregate classification (germline): Uncertain significance. Review status: criteria provided, multiple submitters, no conflicts (2 of 4 stars). 2 submissions from 2 submitters: Uncertain significance (2). Last evaluated 2023-11-17.

Conditions:
Hereditary cancer-predisposing syndrome. Also called: Neoplastic Syndromes, Hereditary; Hereditary neoplastic syndrome; Tumor predisposition; Hereditary Cancer Syndrome. Identifiers: Orphanet 140162, MedGen C0027672, MeSH D009386, MONDO:0015356.
Renal cell carcinoma. Identifiers: Orphanet 217071, MedGen C0007134, MeSH D002292, MONDO:0005086, HP:0005584.

Allele frequency attached by ClinVar (database versions not stated): gnomAD exomes below 0.00001.
gnomAD v4.1: 1 of 1,614,012 alleles (0.000062%); highest among the groups gnomAD compares: Admixed American, 0.0017%; no homozygotes.

Submissions (2):

Labcorp Genetics (formerly Invitae), Labcorp
Classification: Uncertain significance for Renal cell carcinoma. Last evaluated: 2023-11-17. Review status: criteria provided, single submitter. Criteria: Invitae Variant Classification Sherloc (09022015). Collection method: clinical testing. Allele origin: germline.
Comment: This sequence change replaces alanine, which is neutral and non-polar, with valine, which is neutral and non-polar, at codon 573 of the MET protein (p.Ala573Val). This variant is present in population databases (no rsID available, gnomAD 0.003%). This variant has not been reported in the literature in individuals affected with MET-related conditions. ClinVar contains an entry for this variant (Variation ID: 524859). Advanced modeling of protein sequence and biophysical properties (such as structural, functional, and spatial information, amino acid conservation, physicochemical variation, residue mobility, and thermodynamic stability) performed at Invitae indicates that this missense variant is not expected to disrupt MET protein function with a negative predictive value of 80%. In summary, the available evidence is currently insufficient to determine the role of this variant in disease. Therefore, it has been classified as a Variant of Uncertain Significance.

Ambry Genetics
Classification: Uncertain significance for Hereditary cancer-predisposing syndrome. Last evaluated: 2019-05-31. Review status: criteria provided, single submitter. Criteria: Ambry Variant Classification Scheme 2023. Collection method: clinical testing. Allele origin: germline.
Comment: The p.A573V variant (also known as c.1718C>T), located in coding exon 5 of the MET gene, results from a C to T substitution at nucleotide position 1718. The alanine at codon 573 is replaced by valine, an amino acid with similar properties. This amino acid position is highly conserved in available vertebrate species. In addition, the in silico prediction for this alteration is inconclusive. Since supporting evidence is limited at this time, the clinical significance of this alteration remains unclear.